The following is an entry in ClinVar:

NM_006379.5(SEMA3C):c.1059T>G (p.Phe353Leu)

Gene: SEMA3C (semaphorin 3C; minus strand). Cytogenetic location: 7q21.11.
Variant type: single nucleotide variant.
Coding change: c.1059T>G on transcript NM_006379.5 (MANE Select); coding-DNA position 1059, T replaced by G.
Protein change: p.Phe353Leu; replaces phenylalanine 353 with leucine.
Molecular consequence: missense variant.
Genome position (GRCh38, 1-based): chr7:80,798,164, A>C on the plus strand (T>G on the coding strand, the complement: SEMA3C is on the minus strand). VCF-style: chr7-80798164-A-C. GRCh37 (hg19) VCF-style: chr7-80427480-A-C.
Other names: c.1113T>G, p.Phe371Leu (NM_001350120.2); c.885T>G, p.Phe295Leu (NM_001350121.2); short protein forms F371L, F353L, F295L.
Identifiers: ClinVar variation 4992214 (VCV004992214.1).
Genomic context (GRCh38, chr7:80,798,164, plus strand): 5'-AGGATATGGAATTCTGCCCTGATAGGAAATCAGCTGATGATTGGGCCCTTCTTTGTGGGC[A>C]AAAGGCCCATTAAACACAGTCTGTATATCAGATAAATGATACACACACACGGCTGATCCT-3'
Protein context (NP_006370.1, residues 343-363): SDIQTVFNGP[Phe353Leu]AHKEGPNHQL

ClinVar aggregate classification (germline): Uncertain significance (1 of 4 stars; one submission).

Conditions:
SEMA3C-related disorder. Also called: SEMA3C-related condition.

Submission:

PreventionGenetics, part of Exact Sciences
Classification: Uncertain significance for SEMA3C-related condition. Last evaluated: 2026-01-28. Review status: criteria provided, single submitter. Criteria: ACMG Guidelines, 2015. Collection method: clinical testing. Allele origin: germline.
Comment: The SEMA3C c.1113T>G variant is predicted to result in the amino acid substitution p.Phe371Leu. To our knowledge, this variant has not been reported in the literature or in a large population database (gnomAD), indicating this variant is rare. At this time, the clinical significance of this variant is uncertain due to the absence of conclusive functional and genetic evidence.